The following is an entry in ClinVar:

ClinVar aggregate classification (germline): Likely pathogenic (1 of 4 stars; one submission).

Conditions:
Early-infantile DEE. Also called: Early infantile epileptic encephalopathy; Early infantile epileptic encephalopathy with suppression bursts; Ohtahara syndrome. Identifiers: Orphanet 1934, MedGen C0393706, MONDO:0800491.

Submission:

Labcorp Genetics (formerly Invitae), Labcorp
Classification: Likely pathogenic for Early-infantile DEE. Last evaluated: 2025-01-06. Review status: criteria provided, single submitter. Criteria: Invitae Variant Classification Sherloc (09022015). Collection method: clinical testing. Allele origin: germline.
Comment: This sequence change replaces glycine, which is neutral and non-polar, with serine, which is neutral and polar, at codon 361 of the SCN1A protein (p.Gly361Ser). This variant is not present in population databases (gnomAD no frequency). This variant has not been reported in the literature in individuals affected with SCN1A-related conditions. ClinVar contains an entry for this variant (Variation ID: 2838838). Invitae Evidence Modeling of protein sequence and biophysical properties (such as structural, functional, and spatial information, amino acid conservation, physicochemical variation, residue mobility, and thermodynamic stability) indicates that this missense variant is expected to disrupt SCN1A protein function with a positive predictive value of 95%. Algorithms developed to predict the effect of sequence changes on RNA splicing suggest that this variant may disrupt the consensus splice site. This variant disrupts the p.Gly361 amino acid residue in SCN1A. Other variant(s) that disrupt this residue have been determined to be pathogenic (internal data). This suggests that this residue is clinically significant, and that variants that disrupt this residue are likely to be disease-causing. In summary, the currently available evidence indicates that the variant is pathogenic, but additional data are needed to prove that conclusively. Therefore, this variant has been classified as Likely Pathogenic.

NM_001165963.4(SCN1A):c.1081G>A (p.Gly361Ser)

Gene: SCN1A (sodium voltage-gated channel alpha subunit 1; minus strand). Cytogenetic location: 2q24.3.
Variant type: single nucleotide variant.
Coding change: c.1081G>A on transcript NM_001165963.4 (MANE Select); coding-DNA position 1081, G replaced by A.
Protein change: p.Gly361Ser; replaces glycine 361 with serine.
Molecular consequence: missense variant. On other transcripts: 5 prime UTR variant (1), non-coding transcript variant (1).
Genome position (GRCh38, 1-based): chr2:166,047,716, C>T on the plus strand (G>A on the coding strand, the complement: SCN1A is on the minus strand). VCF-style: chr2-166047716-C-T. GRCh37 (hg19) VCF-style: chr2-166904226-C-T.
Other names: c.1081G>A, p.Gly361Ser (NM_001165964.3, NM_001202435.3, NM_001353948.2 and 10 more transcripts); c.-1345G>A (NM_001353961.2); short protein forms G361S.
Identifiers: ClinVar variation 2838838 (VCV002838838.3), dbSNP rs2468189894, ClinGen allele CA349071303.